The following is an entry in ClinVar:

ClinVar aggregate classification (germline): Conflicting classifications of pathogenicity. Review status: criteria provided, conflicting classifications (1 of 4 stars). 2 submissions from 2 submitters: Likely pathogenic (1); Uncertain significance (1). Last evaluated 2024-06-11.

Conditions:
Hepatoencephalopathy due to combined oxidative phosphorylation defect type 1. Also called: HEPATOENCEPHALOPATHY, EARLY FATAL PROGRESSIVE. Identifiers: Orphanet 137681, MedGen C1836797, MONDO:0012191, OMIM 609060.

Allele frequency attached by ClinVar (database versions not stated): gnomAD exomes below 0.00001.
gnomAD v4.1: 2 of 1,613,318 alleles (0.00012%); highest among the groups gnomAD compares: Non-Finnish European, 0.00017%; no homozygotes.

Submissions (2):

Women's Health and Genetics/Laboratory Corporation of America, LabCorp
Classification: Uncertain significance. Last evaluated: 2024-06-11. Review status: criteria provided, single submitter. Criteria: LabCorp Variant Classification Summary - May 2015. Collection method: clinical testing. Allele origin: germline.
Comment: Variant summary: GFM1 c.952C>T (p.Pro318Ser) results in a non-conservative amino acid change located in the Translational (tr)-type GTP-binding domain (IPR000795) of the encoded protein sequence. Five of five in-silico tools predict a damaging effect of the variant on protein function. The variant was absent in 251324 control chromosomes (gnomAD). The available data on variant occurrences in the general population are insufficient to allow any conclusion about variant significance. c.952C>T has been reported in the literature in one individual affected with mitochondrial disease (Riley_2020). These data do not allow any conclusion about variant significance. To our knowledge, no experimental evidence demonstrating an impact on protein function has been reported. The following publication have been ascertained in the context of this evaluation (PMID: 32313153). ClinVar contains an entry for this variant (Variation ID: 869394). Based on the evidence outlined above, the variant was classified as uncertain significance.

Kids Research, The Children's Hospital at Westmead
Classification: Likely pathogenic for Hepatoencephalopathy due to combined oxidative phosphorylation defect type 1. Review status: criteria provided, single submitter. Criteria: ACMG Guidelines, 2015. Collection method: research. Allele origin: inherited. Inheritance: Autosomal recessive inheritance. Affected: yes.

Literature cited by the submitters: PubMed 32313153 (cited by Women's Health and Genetics/Laboratory Corporation of America, LabCorp and Kids Research, The Children's Hospital at Westmead).

NM_024996.7(GFM1):c.952C>T (p.Pro318Ser)

Gene: GFM1 (G elongation factor mitochondrial 1; plus strand). Cytogenetic location: 3q25.32.
Variant type: single nucleotide variant.
Coding change: c.952C>T on transcript NM_024996.7 (MANE Select); coding-DNA position 952, C replaced by T.
Protein change: p.Pro318Ser; replaces proline 318 with serine.
Molecular consequence: missense variant. On other transcripts: non-coding transcript variant (4).
Genome position (GRCh38, 1-based): chr3:158,653,421, C>T. VCF-style: chr3-158653421-C-T. GRCh37 (hg19) VCF-style: chr3-158371210-C-T.
Other names: c.1009C>T, p.Pro337Ser (NM_001308164.2, NM_001374355.1); c.952C>T, p.Pro318Ser (NM_001308166.2); c.835C>T, p.Pro279Ser (NM_001374356.1); c.727C>T, p.Pro243Ser (NM_001374357.1); c.493C>T, p.Pro165Ser (NM_001374358.1); c.385C>T, p.Pro129Ser (NM_001374359.1, NM_001374360.1); c.268C>T, p.Pro90Ser (NM_001374361.1); short protein forms P129S, P165S, P243S, P279S, P318S, P337S, P90S.
Identifiers: ClinVar variation 869394 (VCV000869394.2), dbSNP rs1722463582, ClinGen allele CA355177168.